The following is an entry in ClinVar:

NM_001148.6(ANK2):c.4019T>C (p.Ile1340Thr)

Gene: ANK2 (ankyrin 2; plus strand). Cytogenetic location: 4q26.
Variant type: single nucleotide variant.
Coding change: c.4019T>C on transcript NM_001148.6 (MANE Select); coding-DNA position 4019, T replaced by C.
Protein change: p.Ile1340Thr; replaces isoleucine 1340 with threonine.
Molecular consequence: missense variant.
Genome position (GRCh38, 1-based): chr4:113,341,813, T>C. VCF-style: chr4-113341813-T-C. GRCh37 (hg19) VCF-style: chr4-114262969-T-C.
Other names: c.3992T>C, p.Ile1331Thr (NM_001127493.3); c.4031T>C, p.Ile1344Thr (NM_001354225.2); c.3920T>C, p.Ile1307Thr (NM_001354228.2, NM_001354258.2); c.3998T>C, p.Ile1333Thr (NM_001354230.2); c.4061T>C, p.Ile1354Thr (NM_001354231.2, NM_001354242.2); c.4055T>C, p.Ile1352Thr (NM_001354232.2); c.4016T>C, p.Ile1339Thr (NM_001354235.2, NM_001354246.2, NM_001354265.2); c.3917T>C, p.Ile1306Thr (NM_001354236.2); and 31 more; short protein forms I1269T, I1273T, I1286T, I1293T, I1297T, I1323T, I1333T, I1340T.
Identifiers: ClinVar variation 1737082 (VCV001737082.2), dbSNP rs768146550, ClinGen allele CA357909743.

ClinVar aggregate classification (germline): Uncertain significance (1 of 4 stars; one submission).

Conditions:
Cardiovascular phenotype. Identifiers: MedGen CN230736.

Allele frequency attached by ClinVar (database versions not stated): gnomAD 0.00001.
gnomAD v4.1: 5 of 1,613,994 alleles (0.00031%); highest among the groups gnomAD compares: South Asian, 0.0011%; no homozygotes.

Submission:

Ambry Genetics
Classification: Uncertain significance for Cardiovascular phenotype. Last evaluated: 2022-09-28. Review status: criteria provided, single submitter. Criteria: Ambry Variant Classification Scheme 2023. Collection method: clinical testing. Allele origin: germline.
Comment: The p.I1340T variant (also known as c.4019T>C), located in coding exon 33 of the ANK2 gene, results from a T to C substitution at nucleotide position 4019. The isoleucine at codon 1340 is replaced by threonine, an amino acid with similar properties. This amino acid position is conserved. In addition, the in silico prediction for this alteration is inconclusive. Since supporting evidence is limited at this time, the clinical significance of this alteration remains unclear.